The following is an entry in ClinVar:

NM_000810.4(GABRA5):c.461G>A (p.Arg154Gln)

Gene: GABRA5 (gamma-aminobutyric acid type A receptor subunit alpha5; plus strand). Cytogenetic location: 15q12.
Variant type: single nucleotide variant.
Coding change: c.461G>A on transcript NM_000810.4 (MANE Select); coding-DNA position 461, G replaced by A.
Protein change: p.Arg154Gln; replaces arginine 154 with glutamine.
Molecular consequence: missense variant.
Genome position (GRCh38, 1-based): chr15:26,883,521, G>A. VCF-style: chr15-26883521-G-A. GRCh37 (hg19) VCF-style: chr15-27128668-G-A.
Other names: c.461G>A, p.Arg154Gln (NM_001165037.2); short protein forms R154Q.
Identifiers: ClinVar variation 1806603 (VCV001806603.1), dbSNP rs1892791667, ClinGen allele CA391464782.

ClinVar aggregate classification (germline): Uncertain significance (1 of 4 stars; one submission).

Submission:

GeneDx
Classification: Uncertain significance. Last evaluated: 2022-06-24. Review status: criteria provided, single submitter. Criteria: GeneDx Variant Classification Process June 2021. Collection method: clinical testing. Allele origin: germline. Affected: yes.
Comment: Not observed at significant frequency in large population cohorts (gnomAD); In silico analysis supports that this missense variant has a deleterious effect on protein structure/function; Has not been previously published as pathogenic or benign to our knowledge